The following is an entry in ClinVar:

ClinVar aggregate classification (germline): Uncertain significance (1 of 4 stars; one submission).

Conditions:
Inborn genetic diseases. Identifiers: MedGen C0950123, MeSH D030342.

gnomAD v4.1: 2 of 1,614,016 alleles (0.00012%); highest among the groups gnomAD compares: East Asian, 0.0022%; no homozygotes.

Submission:

Ambry Genetics
Classification: Uncertain significance for Inborn genetic diseases. Last evaluated: 2023-01-29. Review status: criteria provided, single submitter. Criteria: Ambry Variant Classification Scheme 2023. Collection method: clinical testing. Allele origin: germline.
Comment: The p.E713K variant (also known as c.2137G>A), located in coding exon 13 of the EPAS1 gene, results from a G to A substitution at nucleotide position 2137. The glutamic acid at codon 713 is replaced by lysine, an amino acid with similar properties. This amino acid position is conserved. In addition, this alteration is predicted to be tolerated by in silico analysis. Since supporting evidence is limited at this time, the clinical significance of this alteration remains unclear.

NM_001430.5(EPAS1):c.2137G>A (p.Glu713Lys)

Gene: EPAS1 (endothelial PAS domain protein 1; plus strand). Cytogenetic location: 2p21.
Variant type: single nucleotide variant.
Coding change: c.2137G>A on transcript NM_001430.5 (MANE Select); coding-DNA position 2137, G replaced by A.
Protein change: p.Glu713Lys; replaces glutamic acid 713 with lysine.
Molecular consequence: missense variant.
Genome position (GRCh38, 1-based): chr2:46,381,687, G>A. VCF-style: chr2-46381687-G-A. GRCh37 (hg19) VCF-style: chr2-46608826-G-A.
Other names: short protein forms E713K.
Identifiers: ClinVar variation 2450318 (VCV002450318.2), dbSNP rs1289443695, ClinGen allele CA346705604.